The following is an entry in ClinVar:

ClinVar aggregate classification (germline): Uncertain significance. Review status: criteria provided, single submitter (1 of 4 stars). 2 submissions from 2 submitters: Uncertain significance (1). 1 of the submissions does not count toward it. Last evaluated 2023-12-11.

Conditions:
Glycine encephalopathy. Also called: Non-ketotic hyperglycinemia; Nonketotic hyperglycinemia. Identifiers: Orphanet 407, MedGen C0751748, MONDO:0011612, HP:0008288.

Allele frequency attached by ClinVar (database versions not stated): gnomAD exomes below 0.00001 and 0.00001; ExAC 0.00001.
gnomAD v4.1: 16 of 1,613,718 alleles (0.00099%); highest among the groups gnomAD compares: Non-Finnish European, 0.0014%; no homozygotes.

Submissions (2):

Labcorp Genetics (formerly Invitae), Labcorp
Classification: Uncertain significance for Glycine encephalopathy. Last evaluated: 2023-12-11. Review status: criteria provided, single submitter. Criteria: Invitae Variant Classification Sherloc (09022015). Collection method: clinical testing. Allele origin: germline.
Comment: This sequence change replaces lysine, which is basic and polar, with asparagine, which is neutral and polar, at codon 872 of the GLDC protein (p.Lys872Asn). This variant is present in population databases (rs778913771, gnomAD 0.0009%). This variant has not been reported in the literature in individuals affected with GLDC-related conditions. ClinVar contains an entry for this variant (Variation ID: 999282). Advanced modeling of protein sequence and biophysical properties (such as structural, functional, and spatial information, amino acid conservation, physicochemical variation, residue mobility, and thermodynamic stability) performed at Invitae indicates that this missense variant is not expected to disrupt GLDC protein function with a negative predictive value of 80%. In summary, the available evidence is currently insufficient to determine the role of this variant in disease. Therefore, it has been classified as a Variant of Uncertain Significance.

Natera, Inc.
Classification: Uncertain significance for Non-ketotic hyperglycinemia. Last evaluated: 2021-09-13. Review status: no assertion criteria provided. Collection method: clinical testing. Allele origin: germline. Not counted in ClinVar's aggregate classification.

NM_000170.3(GLDC):c.2616G>C (p.Lys872Asn)

Gene: GLDC (glycine decarboxylase; minus strand). Cytogenetic location: 9p24.1.
Variant type: single nucleotide variant.
Coding change: c.2616G>C on transcript NM_000170.3 (MANE Select); coding-DNA position 2616, G replaced by C.
Protein change: p.Lys872Asn; replaces lysine 872 with asparagine.
Molecular consequence: missense variant.
Genome position (GRCh38, 1-based): chr9:6,540,100, C>G on the plus strand (G>C on the coding strand, the complement: GLDC is on the minus strand). VCF-style: chr9-6540100-C-G. GRCh37 (hg19) VCF-style: chr9-6540100-C-G.
Other names: short protein forms K872N.
Identifiers: ClinVar variation 999282 (VCV000999282.12), dbSNP rs778913771, ClinGen allele CA4980134.